The following is an entry in ClinVar:

ClinVar aggregate classification (germline): Uncertain significance (1 of 4 stars; one submission).

Conditions:
Nuclear pulverulent cataract (CTRCT2). Identifiers: MedGen C1852438, HP:0010698.

gnomAD v4.1: 33 of 1,614,248 alleles (0.002%); highest among the groups gnomAD compares: Non-Finnish European, 0.0027%; no homozygotes.

Submission:

Labcorp Genetics (formerly Invitae), Labcorp
Classification: Uncertain significance for Nuclear pulverulent cataract. Last evaluated: 2024-04-03. Review status: criteria provided, single submitter. Criteria: Invitae Variant Classification Sherloc (09022015). Collection method: clinical testing. Allele origin: germline.
Comment: This sequence change replaces proline, which is neutral and non-polar, with leucine, which is neutral and non-polar, at codon 28 of the CRYGC protein (p.Pro28Leu). This variant is not present in population databases (gnomAD no frequency). This variant has not been reported in the literature in individuals affected with CRYGC-related conditions. An algorithm developed to predict the effect of missense changes on protein structure and function (PolyPhen-2) suggests that this variant is likely to be tolerated. In summary, the available evidence is currently insufficient to determine the role of this variant in disease. Therefore, it has been classified as a Variant of Uncertain Significance.

NM_020989.4(CRYGC):c.83C>T (p.Pro28Leu)

Genes: CRYGC (crystallin gamma C; minus strand), LOC100507443 (uncharacterized LOC100507443; plus strand). Cytogenetic location: 2q33.3.
Variant type: single nucleotide variant.
Coding change: c.83C>T on transcript NM_020989.4 (MANE Select); coding-DNA position 83, C replaced by T.
Protein change: p.Pro28Leu; replaces proline 28 with leucine.
Molecular consequence: missense variant.
Genome position (GRCh38, 1-based): chr2:208,129,610, G>A on the plus strand (C>T on the coding strand, the complement: CRYGC is on the minus strand). VCF-style: chr2-208129610-G-A. GRCh37 (hg19) VCF-style: chr2-208994334-G-A.
Other names: short protein forms P28L.
Identifiers: ClinVar variation 3708178 (VCV003708178.2).